The following is an entry in ClinVar:

NM_000329.3(RPE65):c.906_907del (p.Asn302fs)

Gene: RPE65 (retinoid isomerohydrolase RPE65; minus strand). Cytogenetic location: 1p31.3.
Variant type: Deletion.
Coding change: c.906_907del on transcript NM_000329.3 (MANE Select); coding-DNA positions 906 to 907, 2 bases deleted (TA; older notation c.906_907delTA).
Protein change: p.Asn302fs; shifts the reading frame from asparagine 302.
Molecular consequence: frameshift variant.
Genome position (GRCh38, 1-based): chr1:68,439,033-68,439,034, TA deleted on the plus strand (TA on the coding strand, the reverse complement: RPE65 is on the minus strand); deleting any 2 consecutive bases within chr1:68,439,033-68,439,035 gives the same sequence; the c. name uses the placement nearest the transcript's 3' end. VCF-style (leftmost placement, unchanged base first): chr1-68439032-TTA-T. GRCh37 (hg19) VCF-style: chr1-68904715-TTA-T.
Other names: NM_000329.3(RPE65):c.906_907del; p.Asn302fs; c.798_799del, p.Asn266fs (NM_001406853.1); c.630_631del, p.Asn210fs (NM_001406856.1, NM_001406857.1); c.906_907del, p.Asn302fs (NM_001406859.1); short protein forms N210fs, N266fs, N302fs.
Identifiers: ClinVar variation 2678438 (VCV002678438.3), dbSNP rs2523425413, ClinGen allele CA2586966735.

ClinVar aggregate classification (germline): Pathogenic. Review status: reviewed by expert panel (3 of 4 stars). 3 submissions from 3 submitters: Pathogenic (1). 2 of the submissions do not count toward it. Last evaluated 2025-12-19.

Conditions:
RPE65-related recessive retinopathy. Also called: Recessive RPE65 retinopathy. Identifiers: MedGen CN305526, MONDO:0100368.
Leber congenital amaurosis 2 (LCA2). Also called: Autosomal Recessive RPE65-Related Retinal Degeneration; AMAUROSIS CONGENITA OF LEBER II. Identifiers: Orphanet 65, MedGen C1859844, MONDO:0008765, OMIM 204100. Disease mechanism: loss of function.

Submissions (3):

ClinGen Leber Congenital Amaurosis/early Onset Retinal Dystrophy Variant Curation Expert Panel, ClinGen
Classification: Pathogenic for RPE65-related recessive retinopathy. Last evaluated: 2025-12-19. Review status: reviewed by expert panel. Criteria: ClinGen LCAeoRD ACMG Specifications RPE65 V1.0.0. Collection method: curation. Allele origin: germline. Inheritance: Autosomal recessive inheritance.
Comment: NM_000329.3(RPE65):c.906_907del (p.Asn302LysfsTer17) is a frameshift variant that introduces a premature stop codon into exon 9 of 14, and is predicted to lead to nonsense-mediated decay in a gene in which loss-of-function is an established mechanism of disease (PVS1). This variant is absent from gnomAD v4.1.0 (PM2_Supporting). At least one proband harboring this variant exhibits a phenotype including diagnosis of LCA (0.5 pts) with nystagmus (1 pt), hyperopia, granular white/gray pigment in mid-peripheral retina (2 pts), and extinguished rod (0.5 pts) and cone (1 pt) ERG. Screening of a gene panel with 163 genes did not reveal any additional variants of interest (2 pts). Together these phenotypes are specific for RPE65-related recessive retinopathy (total 7 points, PMID: 260 47050, PP4). This variant has been reported in 1 proband with early-onset severe retinal dystrophy who was compound heterozygous with the NM_000329.3(RPE65):c.993G>A (p.Trp331Ter) variant suspected in trans (0.5 points, PMID: 26047050), which was previously classified pathogenic by the ClinGen LCA / eoRD VCEP (0.5 total points, PM3_Supporting). This variant has also been reported in 1 proband with retinitis pigmentosa who harbored the variant in the compound heterozygous state with the pathogenic NM_000329.3(RPE65):c.200T>G (p.Leu67Arg) variant suspected in trans (PMID: 29641573). However, the proband was not counted for this criterion because sufficient phenotype details were unavailable. In summary, this variant meets the criteria to be classified as Pathogenic for RPE65-related recessive retinopathy based on the ACMG/AMP criteria applied, as specified by the ClinGen LCA/eoRD VCEP: PVS1, PM2_Supporting, PP4, and PM3_Supporting. (VCEP specifications version 1.0.0; date of approval 09/21/2023).

Myriad Genetics, Inc.
Classification: Pathogenic for RPE65-related recessive retinopathy. Last evaluated: 2024-05-14. Review status: criteria provided, single submitter. Criteria: Myriad Autosomal Dominant, Autosomal Recessive and X-Linked Classification Criteria (2023). Collection method: clinical testing. Allele origin: unknown. Not counted in ClinVar's aggregate classification.
Comment: NM_000329.2(RPE65):c.906_907delTA(N302Kfs*17) is expected to be pathogenic in the context of inherited retinal dystrophy, RPE65-related. This variant is predicted to lead to an abnormal or absent protein product due to the creation of a premature termination codon in RPE65, a gene where loss-of-function variants are known to be pathogenic. Please note: this variant was assessed in the context of healthy population screening.

Baylor Genetics
Classification: Pathogenic for Leber congenital amaurosis 2. Last evaluated: 2023-07-06. Review status: criteria provided, single submitter. Criteria: ACMG Guidelines, 2015. Collection method: clinical testing. Allele origin: unknown. Not counted in ClinVar's aggregate classification.